The following is an entry in ClinVar:

NM_006509.4(RELB):c.356C>T (p.Pro119Leu)

Gene: RELB (RELB proto-oncogene, NF-kB subunit; plus strand). Cytogenetic location: 19q13.32.
Variant type: single nucleotide variant.
Coding change: c.356C>T on transcript NM_006509.4 (MANE Select); coding-DNA position 356, C replaced by T.
Protein change: p.Pro119Leu; replaces proline 119 with leucine.
Molecular consequence: missense variant.
Genome position (GRCh38, 1-based): chr19:45,012,128, C>T. VCF-style: chr19-45012128-C-T. GRCh37 (hg19) VCF-style: chr19-45515386-C-T.
Other names: c.347C>T, p.Pro116Leu (NM_001411087.1); short protein forms P116L, P119L.
Identifiers: ClinVar variation 2791271 (VCV002791271.3), dbSNP rs759274817, ClinGen allele CA406322205.

ClinVar aggregate classification (germline): Uncertain significance (1 of 4 stars; one submission).

gnomAD v4.1: 3 of 1,555,126 alleles (0.00019%); highest among the groups gnomAD compares: South Asian, 0.0012%; no homozygotes.

Submission:

Labcorp Genetics (formerly Invitae), Labcorp
Classification: Uncertain significance. Last evaluated: 2023-06-21. Review status: criteria provided, single submitter. Criteria: Invitae Variant Classification Sherloc (09022015). Collection method: clinical testing. Allele origin: germline.
Comment: In summary, the available evidence is currently insufficient to determine the role of this variant in disease. Therefore, it has been classified as a Variant of Uncertain Significance. An algorithm developed to predict the effect of missense changes on protein structure and function (PolyPhen-2) suggests that this variant is likely to be tolerated. This variant has not been reported in the literature in individuals affected with RELB-related conditions. The frequency data for this variant in the population databases is considered unreliable, as metrics indicate poor data quality at this position in the gnomAD database. This sequence change replaces proline, which is neutral and non-polar, with leucine, which is neutral and non-polar, at codon 119 of the RELB protein (p.Pro119Leu).